The following is an entry in ClinVar:

ClinVar aggregate classification (germline): Pathogenic/Likely pathogenic. Review status: criteria provided, multiple submitters, no conflicts (2 of 4 stars). 9 submissions from 9 submitters: Pathogenic (8); Likely pathogenic (1). Last evaluated 2025-08-28.

Conditions:
BRAF-related disorder. Also called: BRAF-related condition.
Cardio-facio-cutaneous syndrome. Also called: Cardiofaciocutaneous syndrome; CFC syndrome. Identifiers: Orphanet 1340, MedGen C1275081, MONDO:0015280. Disease mechanism: gain of function.
Noonan syndrome and Noonan-related syndrome. Identifiers: Orphanet 98733, MedGen C5681679, MONDO:0020297.
RASopathy. Also called: rasopathies; Noonan spectrum disorder. Identifiers: Orphanet 536391, MedGen C5555857, MONDO:0021060.
Cardiofaciocutaneous syndrome 1 (CFC1). Also called: BRAF-Related Cardiofaciocutaneous Syndrome. Identifiers: Orphanet 1340, MedGen CN029449, MONDO:0007265, OMIM 115150. Disease mechanism: gain of function.

Allele frequency attached by ClinVar (database versions not stated): ExAC 0.00001; gnomAD exomes below 0.00001.

Submissions (9):

PreventionGenetics, part of Exact Sciences
Classification: Pathogenic for BRAF-related condition. Last evaluated: 2025-08-28. Review status: criteria provided, single submitter. Criteria: ACMG Guidelines, 2015. Collection method: clinical testing. Allele origin: germline.
Comment: The BRAF c.1403T>C variant is predicted to result in the amino acid substitution p.Phe468Ser. This variant has been reported in at least six individuals with cardio-facio-cutaneous syndrome (Rodriguez-Viciana et al. 2006. PubMed ID: 16439621; Gripp et al. 2007. PubMed ID: 17551924; Nava et al. 2007. PubMed ID: 17704260; Schulz et al. 2007. PubMed ID: 18042262) and one individual with Noonan syndrome (Xu et al. 2017. PubMed ID: 29084544). In at least three individuals this variant occurred de novo (Gripp et al. 2007. PubMed ID: 17551924; Schulz et al. 2007. PubMed ID: 18042262). Additionally, different amino acid substitutions affecting the same (p.Phe468Cys) and adjacent (p.Ser467Ala, p.Gly469Arg, p.Gly469Glu) amino acids have been reported as pathogenic (Human Gene Mutation Database). This variant is reported in 0.00088% of alleles in individuals of European (Non-Finnish) descent in gnomAD. This variant is interpreted as pathogenic.

GeneDx
Classification: Pathogenic. Last evaluated: 2022-06-02. Review status: criteria provided, single submitter. Criteria: GeneDx Variant Classification Process June 2021. Collection method: clinical testing. Allele origin: germline. Affected: yes.
Comment: In silico analysis, which includes protein predictors and evolutionary conservation, supports a deleterious effect; Missense variants in this gene are often considered pathogenic (HGMD); This variant is associated with the following publications: (PMID: 26150740, 23093928, 17551924, 24803665, 31263281, 16439621, 18042262, 24957944, 15488754, 15520807, 17603483)

Labcorp Genetics (formerly Invitae), Labcorp
Classification: Pathogenic for RASopathy. Last evaluated: 2021-12-01. Review status: criteria provided, single submitter. Criteria: Invitae Variant Classification Sherloc (09022015). Collection method: clinical testing. Allele origin: germline.
Comment: Advanced modeling of protein sequence and biophysical properties (such as structural, functional, and spatial information, amino acid conservation, physicochemical variation, residue mobility, and thermodynamic stability) performed at Invitae indicates that this missense variant is expected to disrupt BRAF protein function. This sequence change replaces phenylalanine, which is neutral and non-polar, with serine, which is neutral and polar, at codon 468 of the BRAF protein (p.Phe468Ser). This variant is present in population databases (rs397507473, gnomAD 0.0009%). This missense change has been observed in individual(s) with cardio-facio-cutaneous syndrome or other RASopathy disorders (PMID: 16439621, 17551924, 18042262, 29084544). In at least one individual the variant was observed to be de novo. ClinVar contains an entry for this variant (Variation ID: 40366). For these reasons, this variant has been classified as Pathogenic.

AiLife Diagnostics
Classification: Likely pathogenic. Last evaluated: 2021-10-20. Review status: criteria provided, single submitter. Criteria: ACMG Guidelines, 2015. Collection method: clinical testing. Allele origin: germline. Affected: yes. Observed: 1 variant allele.

HudsonAlpha Institute for Biotechnology
Classification: Pathogenic for Cardiofaciocutaneous syndrome 1. Last evaluated: 2021-02-19. Review status: criteria provided, single submitter. Criteria: ACMG Guidelines, 2015. Collection method: research. Allele origin: de novo. Affected: yes. Observed: 1 variant allele. Study: CSER-SouthSeq.
Comment: ACMG codes:PS2, PS4M, PM1, PM2, PP2, PP3, PP5

Laboratorio de Genetica e Diagnostico Molecular, Hospital Israelita Albert Einstein
Classification: Pathogenic. Last evaluated: 2019-11-29. Review status: criteria provided, single submitter. Criteria: ACMG Guidelines, 2015. Collection method: clinical testing. Allele origin: germline. Affected: yes.
Comment: ACMG classification criteria: PS4, PM1, PM6, PP2, PP3

Genome Diagnostics Laboratory, The Hospital for Sick Children
Classification: Pathogenic for Noonan syndrome and Noonan-related syndrome. Last evaluated: 2019-04-01. Review status: criteria provided, single submitter. Criteria: ACMG Guidelines, 2015. Collection method: clinical testing. Allele origin: germline. Affected: yes.

Laboratory for Molecular Medicine, Mass General Brigham Personalized Medicine
Classification: Pathogenic for Cardio-facio-cutaneous syndrome. Last evaluated: 2009-06-02. Review status: criteria provided, single submitter. Criteria: LMM Criteria. Collection method: clinical testing. Allele origin: germline. Observed: 2 variant alleles.

Clinical Genetics Service, Universitary Hospital 12 de Octubre
Classification: Pathogenic for Cardiofaciocutaneous syndrome 1. Review status: criteria provided, single submitter. Criteria: ACMG Guidelines, 2015. Collection method: clinical testing. Allele origin: de novo. Affected: yes.

Literature cited by the submitters: PubMed 16439621 (cited by 3 submitters); PubMed 17551924 (cited by Labcorp Genetics (formerly Invitae), Labcorp and Laboratory for Molecular Medicine, Mass General Brigham Personalized Medicine); PubMed 18042262 (cited by Labcorp Genetics (formerly Invitae), Labcorp); PubMed 29084544 (cited by Labcorp Genetics (formerly Invitae), Labcorp); PubMed 23093928 (cited by AiLife Diagnostics); PubMed 24803665 (cited by AiLife Diagnostics); PubMed 31263281 (cited by AiLife Diagnostics); PubMed 18451217 (cited by Laboratory for Molecular Medicine, Mass General Brigham Personalized Medicine); PubMed 17704260 (cited by Laboratory for Molecular Medicine, Mass General Brigham Personalized Medicine); PubMed 17496923 (cited by Laboratory for Molecular Medicine, Mass General Brigham Personalized Medicine).

NM_004333.6(BRAF):c.1403T>C (p.Phe468Ser)

Gene: BRAF (B-Raf proto-oncogene, serine/threonine kinase; minus strand). Cytogenetic location: 7q34.
Variant type: single nucleotide variant.
Coding change: c.1403T>C on transcript NM_004333.6 (MANE Select); coding-DNA position 1403, T replaced by C.
Protein change: p.Phe468Ser; replaces phenylalanine 468 with serine.
Molecular consequence: missense variant.
Genome position (GRCh38, 1-based): chr7:140,781,605, A>G on the plus strand (T>C on the coding strand, the complement: BRAF is on the minus strand). VCF-style: chr7-140781605-A-G. GRCh37 (hg19) VCF-style: chr7-140481405-A-G.
Other names: p.F468S:TTT>TCT; c.1403T>C, p.Phe468Ser (NM_001354609.2, NM_001378468.1, NM_001378474.1); c.1523T>C, p.Phe508Ser (NM_001374244.1, NM_001374258.1); c.1412T>C, p.Phe471Ser (NM_001378467.1); c.1337T>C, p.Phe446Ser (NM_001378469.1); c.1301T>C, p.Phe434Ser (NM_001378470.1); c.1292T>C, p.Phe431Ser (NM_001378471.1); c.1247T>C, p.Phe416Ser (NM_001378472.1, NM_001378473.1); and 1 more; short protein forms F468S, F508S, F416S, F471S, F380S, F431S, F434S, F446S.
Identifiers: ClinVar variation 40366 (VCV000040366.25), dbSNP rs397507473, ClinGen allele CA280002.